The following is an entry in ClinVar:

ClinVar aggregate classification (germline): Benign. Review status: criteria provided, multiple submitters, no conflicts (2 of 4 stars). 7 submissions from 7 submitters: Benign (5). 2 of the submissions do not count toward it. Last evaluated 2026-03-01.

Conditions:
Charcot-Marie-Tooth disease type 4B3. Also called: CHARCOT-MARIE-TOOTH DISEASE, DEMYELINATING, TYPE 4B3; Charcot-Marie-Tooth Neuropathy Type 4B3. Identifiers: Orphanet 363981, MedGen C3695063, MONDO:0014117, OMIM 615284.

Allele frequency attached by ClinVar (database versions not stated): gnomAD exomes 0.00344 and 0.00163; ESP Exome Variant Server 0.00075; 1000 Genomes Project 0.00200; 1000 Genomes Project 30x 0.00203; gnomAD 0.00245 and 0.00247; TOPMed 0.00286; ExAC 0.00309.

Submissions (7):

CeGaT Center for Human Genetics Tuebingen
Classification: Benign. Last evaluated: 2026-03-01. Review status: criteria provided, single submitter. Criteria: CeGaT Center For Human Genetics Tuebingen Variant Classification Criteria Version 2. Collection method: clinical testing. Allele origin: germline. Affected: yes. Observed: 8 variant alleles.
Comment: SBF1: BP4, BP7, BS1, BS2

Labcorp Genetics (formerly Invitae), Labcorp
Classification: Benign. Last evaluated: 2026-01-04. Review status: criteria provided, single submitter. Criteria: Invitae Variant Classification Sherloc (09022015). Collection method: clinical testing. Allele origin: germline.

ARUP Laboratories, Molecular Genetics and Genomics, ARUP Laboratories
Classification: Benign for Charcot-Marie-Tooth disease type 4B3. Last evaluated: 2023-11-22. Review status: criteria provided, single submitter. Criteria: ARUP Molecular Germline Variant Investigation Process 2024. Collection method: clinical testing. Allele origin: germline.

GeneDx
Classification: Benign. Last evaluated: 2020-12-15. Review status: criteria provided, single submitter. Criteria: GeneDx Variant Classification Process June 2021. Collection method: clinical testing. Allele origin: germline. Affected: yes.

Mayo Clinic Laboratories, Mayo Clinic
Classification: Benign. Last evaluated: 2019-10-03. Review status: criteria provided, single submitter. Criteria: ACMG Guidelines, 2015. Collection method: clinical testing. Allele origin: germline. Observed: 5 variant alleles.

Clinical Genetics, Academic Medical Center
Classification: Benign. Review status: no assertion criteria provided. Collection method: clinical testing. Allele origin: germline. Affected: yes. Study: VKGL Data-share Consensus. Not counted in ClinVar's aggregate classification.

Genome Diagnostics Laboratory, University Medical Center Utrecht
Classification: Likely benign. Review status: no assertion criteria provided. Collection method: clinical testing. Allele origin: germline. Affected: yes. Study: VKGL Data-share Consensus. Not counted in ClinVar's aggregate classification.

NM_002972.4(SBF1):c.4833C>T (p.Asn1611=)

Gene: SBF1 (SET binding factor 1; minus strand). Cytogenetic location: 22q13.33.
Variant type: single nucleotide variant.
Coding change: c.4833C>T on transcript NM_002972.4 (MANE Select); coding-DNA position 4833, C replaced by T.
Protein change: p.Asn1611=; no amino-acid change (asparagine 1611 retained).
Molecular consequence: synonymous variant.
Genome position (GRCh38, 1-based): chr22:50,454,722, G>A on the plus strand (C>T on the coding strand, the complement: SBF1 is on the minus strand). VCF-style: chr22-50454722-G-A. GRCh37 (hg19) VCF-style: chr22-50893151-G-A.
Other names: p.Asn1611=; c.4758C>T, p.Asn1586= (NM_001365819.1).
Identifiers: ClinVar variation 718659 (VCV000718659.53), dbSNP rs199573140, ClinGen allele CA10316099.